The following is an entry in ClinVar:

ClinVar aggregate classification (germline): Uncertain significance (1 of 4 stars; one submission).

Conditions:
Joubert syndrome. Also called: JOUBERT-BOLTSHAUSER SYNDROME; Familial aplasia of the vermis. Identifiers: Orphanet 475, MedGen C5979921, MONDO:0018772.
Meckel-Gruber syndrome. Also called: DYSENCEPHALIA SPLANCHNOCYSTICA; GRUBER SYNDROME; Dysencephalia splachnocystica. Identifiers: Orphanet 564, MedGen C0265215, MONDO:0018921.

gnomAD v4.1: 1 of 1,551,820 alleles (0.000064%); highest among the groups gnomAD compares: Non-Finnish European, 0.000087%; no homozygotes.

Submission:

Labcorp Genetics (formerly Invitae), Labcorp
Classification: Uncertain significance for Joubert syndrome; Meckel-Gruber syndrome. Last evaluated: 2020-11-21. Review status: criteria provided, single submitter. Criteria: Invitae Variant Classification Sherloc (09022015). Collection method: clinical testing. Allele origin: germline.
Comment: In summary, the available evidence is currently insufficient to determine the role of this variant in disease. Therefore, it has been classified as a Variant of Uncertain Significance. Advanced modeling of protein sequence and biophysical properties (such as structural, functional, and spatial information, amino acid conservation, physicochemical variation, residue mobility, and thermodynamic stability) performed at Invitae indicates that this missense variant is not expected to disrupt CC2D2A protein function. This variant has not been reported in the literature in individuals with CC2D2A-related conditions. This variant is not present in population databases (ExAC no frequency). This sequence change replaces tyrosine with histidine at codon 297 of the CC2D2A protein (p.Tyr297His). The tyrosine residue is moderately conserved and there is a moderate physicochemical difference between tyrosine and histidine.

NM_001378615.1(CC2D2A):c.889T>C (p.Tyr297His)

Genes: CC2D2A (coiled-coil and C2 domain containing 2A; plus strand), FBXL5 (F-box and leucine rich repeat protein 5; minus strand). Cytogenetic location: 4p15.32.
Variant type: single nucleotide variant.
Coding change: c.889T>C on transcript NM_001378615.1 (MANE Select); coding-DNA position 889, T replaced by C.
Protein change: p.Tyr297His; replaces tyrosine 297 with histidine.
Molecular consequence: missense variant.
Genome position (GRCh38, 1-based): chr4:15,515,876, T>C. VCF-style: chr4-15515876-T-C. GRCh37 (hg19) VCF-style: chr4-15517499-T-C.
Other names: c.889T>C, p.Tyr297His (NM_001080522.2); c.742T>C, p.Tyr248His (NM_001378617.1); short protein forms Y297H, Y248H.
Identifiers: ClinVar variation 1487484 (VCV001487484.6), dbSNP rs2109012755, ClinGen allele CA356409506.